The following is an entry in ClinVar:

ClinVar aggregate classification (germline): Likely pathogenic (1 of 4 stars; one submission).

Submission:

GeneDx
Classification: Likely pathogenic. Last evaluated: 2024-03-07. Review status: criteria provided, single submitter. Criteria: GeneDx Variant Classification Process June 2021. Collection method: clinical testing. Allele origin: germline. Affected: yes.
Comment: Frameshift variant predicted to result in protein truncation or nonsense mediated decay in a gene for which loss of function is a known mechanism of disease; Not observed at significant frequency in large population cohorts (gnomAD); Has not been previously published as pathogenic or benign to our knowledge

NM_078470.6(COX15):c.335_336insT (p.Ser113fs)

Gene: COX15 (cytochrome c oxidase assembly homolog COX15; minus strand). Cytogenetic location: 10q24.2.
Variant type: Insertion.
Coding change: c.335_336insT on transcript NM_078470.6 (MANE Select); coding-DNA positions 335 to 336, T inserted.
Protein change: p.Ser113fs; shifts the reading frame from serine 113.
Molecular consequence: frameshift variant. On other transcripts: 5 prime UTR variant (1), non-coding transcript variant (1).
Genome position: GRCh38 VCF-style: chr10-99727500-T-TA. GRCh37 (hg19) VCF-style: chr10-101487257-T-TA.
Other names: c.335_336insT, p.Ser113fs (NM_001320974.2, NM_001320975.2, NM_001372024.1 and 5 more transcripts); c.-120_-119insT (NM_001320976.2); short protein forms S113fs.
Identifiers: ClinVar variation 3373745 (VCV003373745.1).